The following is an entry in ClinVar:

NM_001111125.3(IQSEC2):c.3217A>G (p.Thr1073Ala)

Gene: IQSEC2 (IQ motif and Sec7 domain ArfGEF 2; minus strand). Cytogenetic location: Xp11.22.
Variant type: single nucleotide variant.
Coding change: c.3217A>G on transcript NM_001111125.3 (MANE Select); coding-DNA position 3217, A replaced by G.
Protein change: p.Thr1073Ala; replaces threonine 1073 with alanine.
Molecular consequence: missense variant.
Genome position (GRCh38, 1-based): chrX:53,238,205, T>C on the plus strand (A>G on the coding strand, the complement: IQSEC2 is on the minus strand). VCF-style: chrX-53238205-T-C. GRCh37 (hg19) VCF-style: chrX-53267387-T-C.
Other names: c.3217A>G, p.Thr1073Ala (NM_001410736.1); c.2602A>G, p.Thr868Ala (NM_015075.2); short protein forms T1073A, T868A.
Identifiers: ClinVar variation 3372799 (VCV003372799.1).
Genomic context (GRCh38, chrX:53,238,205, plus strand): 5'-ACTCCACACGGTATTTCTCCATCTCCTGCACCTCCGCAATGGACTCGCGCAGGTCGGATG[T>C]AAAGCGCAGCCGGTCCTGGAGGCTGGGGGCATTGAAGATGATGAGGACTTTTCGCTCCCC-3'
Protein context (NP_001104595.1, residues 1063-1083): APSLQDRLRF[Thr1073Ala]SDLRESIAEV

ClinVar aggregate classification (germline): Uncertain significance (1 of 4 stars; one submission).

Submission:

GeneDx
Classification: Uncertain significance. Last evaluated: 2024-04-23. Review status: criteria provided, single submitter. Criteria: GeneDx Variant Classification Process June 2021. Collection method: clinical testing. Allele origin: germline. Affected: yes.
Comment: Not observed at significant frequency in large population cohorts (gnomAD); In silico analysis supports that this missense variant has a deleterious effect on protein structure/function; Has not been previously published as pathogenic or benign to our knowledge; This variant is associated with the following publications: (PMID: 20473311)